The following is an entry in ClinVar:

ClinVar aggregate classification (germline): Uncertain significance (1 of 4 stars; one submission).

Allele frequency attached by ClinVar (database versions not stated): gnomAD exomes 0.00002; gnomAD 0.00004.
gnomAD v4.1: 50 of 1,522,522 alleles (0.0033%); highest among the groups gnomAD compares: Non-Finnish European, 0.0039%; no homozygotes.

Submission:

Labcorp Genetics (formerly Invitae), Labcorp
Classification: Uncertain significance. Last evaluated: 2022-10-13. Review status: criteria provided, single submitter. Criteria: Invitae Variant Classification Sherloc (09022015). Collection method: clinical testing. Allele origin: germline.
Comment: This sequence change replaces proline, which is neutral and non-polar, with leucine, which is neutral and non-polar, at codon 740 of the PDZD7 protein (p.Pro740Leu). This variant is present in population databases (no rsID available, gnomAD 0.005%). This variant has not been reported in the literature in individuals affected with PDZD7-related conditions. ClinVar contains an entry for this variant (Variation ID: 855333). Advanced modeling of protein sequence and biophysical properties (such as structural, functional, and spatial information, amino acid conservation, physicochemical variation, residue mobility, and thermodynamic stability) performed at Invitae indicates that this missense variant is not expected to disrupt PDZD7 protein function. In summary, the available evidence is currently insufficient to determine the role of this variant in disease. Therefore, it has been classified as a Variant of Uncertain Significance.

NM_001195263.2(PDZD7):c.2219C>T (p.Pro740Leu)

Gene: PDZD7 (PDZ domain containing 7; minus strand). Cytogenetic location: 10q24.31.
Variant type: single nucleotide variant.
Coding change: c.2219C>T on transcript NM_001195263.2 (MANE Select); coding-DNA position 2219, C replaced by T.
Protein change: p.Pro740Leu; replaces proline 740 with leucine.
Molecular consequence: missense variant.
Genome position (GRCh38, 1-based): chr10:101,010,670, G>A on the plus strand (C>T on the coding strand, the complement: PDZD7 is on the minus strand). VCF-style: chr10-101010670-G-A. GRCh37 (hg19) VCF-style: chr10-102770427-G-A.
Other names: short protein forms P740L.
Identifiers: ClinVar variation 855333 (VCV000855333.7), dbSNP rs895187941, ClinGen allele CA212978787.